The following is an entry in ClinVar:

ClinVar aggregate classification (germline): Pathogenic. Review status: criteria provided, multiple submitters, no conflicts (2 of 4 stars). 3 submissions from 3 submitters: Pathogenic (2). 1 of the submissions does not count toward it. Last evaluated 2021-05-01.

Conditions:
Hereditary factor IX deficiency disease (HEMB). Also called: Christmas Disease; F9 DEFICIENCY; FACTOR IX DEFICIENCY; Hemophilia B; PLASMA THROMBOPLASTIN COMPONENT DEFICIENCY. Identifiers: Orphanet 98879, MedGen C0008533, MeSH D002836, MONDO:0010604, OMIM 306900.
Hereditary factor VIII deficiency disease (HEMA). Also called: HEMOPHILIA, CLASSIC; Hemophilia A; Hemophilia A, congenital; HEM A; Factor 8 deficiency, congenital; AUTOSOMAL HEMOPHILIA A. Identifiers: Orphanet 98878, MedGen C0019069, MONDO:0010602, OMIM 306700.

Submissions (3):

ARUP Laboratories, Molecular Genetics and Genomics, ARUP Laboratories
Classification: Pathogenic for Hereditary factor VIII deficiency disease. Last evaluated: 2021-05-01. Review status: criteria provided, single submitter. Criteria: ARUP Molecular Germline Variant Investigation Process 2021. Collection method: clinical testing. Allele origin: germline.
Comment: The F8 c.6683G>A;p.Arg2228Gln variant (rs137852358), also known as Arg2209Gln, has been described in the literature in individuals with hemophilia with inconsistent severity classifications (see link and references therein). The variant is reported in ClinVar (Variation ID: 10098) but is absent from the Genome Aggregation Database, indicating is not a common polymorphism. The arginine at codon 2228 is highly conserved, and computational analyses predict that this variant is deleterious (REVEL:0.94). Taken together, this variant is considered pathogenic. References: Link to F8 database

NIHR Bioresource Rare Diseases, University of Cambridge
Classification: Pathogenic for Hereditary factor IX deficiency disease. Last evaluated: 2019-02-01. Review status: criteria provided, single submitter. Criteria: ACMG Guidelines, 2015. Collection method: research. Allele origin: unknown. Affected: yes. Observed: 1 hemizygote. Study: ThromboGenomics.

OMIM
Classification: Pathogenic for HEMOPHILIA A. Last evaluated: 1990-02-01. Review status: no assertion criteria provided. Collection method: literature only. Allele origin: germline. Not counted in ClinVar's aggregate classification.

Literature cited by the submitters: PubMed 31064749 (cited by NIHR Bioresource Rare Diseases, University of Cambridge); PubMed 2833855 (cited by OMIM); PubMed 2493803 (cited by OMIM); PubMed 2104741 (cited by OMIM); PubMed 2106480 (cited by OMIM).

NM_000132.4(F8):c.6683G>A (p.Arg2228Gln)

Gene: F8 (coagulation factor VIII; minus strand). Cytogenetic location: Xq28.
Variant type: single nucleotide variant.
Coding change: c.6683G>A on transcript NM_000132.4 (MANE Select); coding-DNA position 6683, G replaced by A.
Protein change: p.Arg2228Gln; replaces arginine 2228 with glutamine.
Molecular consequence: missense variant.
Genome position (GRCh38, 1-based): chrX:154,861,758, C>T on the plus strand (G>A on the coding strand, the complement: F8 is on the minus strand). VCF-style: chrX-154861758-C-T. GRCh37 (hg19) VCF-style: chrX-154090033-C-T.
Other names: F8, ARG2209GLN; R2209Q; c.278G>A, p.Arg93Gln (NM_019863.3); short protein forms R2228Q, R93Q.
Identifiers: ClinVar variation 10098 (VCV000010098.11), dbSNP rs137852358, ClinGen allele CA255016.
Genomic context (GRCh38, chrX:154,861,758, plus strand): 5'-GTAAATCTGTTGCCTCTTACCTGAGGTCTCCAGGCATTACTCCTCCCTTGGAGGTGAAGT[C>T]GAGCTTTTGAAGGAGACCAGGTGGCAAACATATTGGTAAAGTAGGATGAAGCAGTAATCT-3'
Protein context (NP_000123.1, residues 2218-2238): MFATWSPSKA[Arg2228Gln]LHLQGRSNAW